The following is an entry in ClinVar:

NM_000059.4(BRCA2):c.3996T>A (p.His1332Gln)

Gene: BRCA2 (BRCA2 DNA repair associated; plus strand). Cytogenetic location: 13q13.1.
Variant type: single nucleotide variant.
Coding change: c.3996T>A on transcript NM_000059.4 (MANE Select); coding-DNA position 3996, T replaced by A.
Protein change: p.His1332Gln; replaces histidine 1332 with glutamine.
Molecular consequence: missense variant.
Genome position (GRCh38, 1-based): chr13:32,338,351, T>A. VCF-style: chr13-32338351-T-A. GRCh37 (hg19) VCF-style: chr13-32912488-T-A.
Other names: c.3996T>A (NM_000059.3); short protein forms H1332Q.
Identifiers: ClinVar variation 1508004 (VCV001508004.10), dbSNP rs1593901143, ClinGen allele CA387778983.

ClinVar aggregate classification (germline): Conflicting classifications of pathogenicity. Review status: criteria provided, conflicting classifications (1 of 4 stars). 3 submissions from 3 submitters: Uncertain significance (2); Likely benign (1). Last evaluated 2026-02-13.

Conditions:
Hereditary breast ovarian cancer syndrome. Also called: Hereditary breast and ovarian cancer syndrome (HBOC); Hereditary breast and ovarian cancer; Breast and ovarian cancer; Hereditary breast and/or ovarian cancer syndrome; BRCA1- and BRCA2-Associated Hereditary Breast and Ovarian Cancer; Hereditary breast and ovarian cancer syndrome. Identifiers: Orphanet 145, MedGen C0677776, MeSH D061325, MONDO:0003582. Disease mechanism: loss of function.
Hereditary cancer-predisposing syndrome. Also called: Neoplastic Syndromes, Hereditary; Tumor predisposition; Hereditary Cancer Syndrome; Hereditary neoplastic syndrome. Identifiers: Orphanet 140162, MedGen C0027672, MeSH D009386, MONDO:0015356.

Allele frequency attached by ClinVar (database versions not stated): gnomAD exomes below 0.00001.
gnomAD v4.1: 1 of 1,585,588 alleles (0.000063%); highest among the groups gnomAD compares: Non-Finnish European, 0.000086%; no homozygotes.

Submissions (3):

Ambry Genetics
Classification: Uncertain significance for Hereditary cancer-predisposing syndrome. Last evaluated: 2026-02-13. Review status: criteria provided, single submitter. Criteria: Ambry Variant Classification Scheme 2023. Collection method: clinical testing. Allele origin: germline.
Comment: The p.H1332Q variant (also known as c.3996T>A), located in coding exon 10 of the BRCA2 gene, results from a T to A substitution at nucleotide position 3996. The histidine at codon 1332 is replaced by glutamine, an amino acid with highly similar properties. This amino acid position is conserved. In addition, this alteration is predicted to be tolerated by in silico analysis. Based on the available evidence, the clinical significance of this variant remains unclear.

University of Washington Department of Laboratory Medicine, University of Washington
Classification: Likely benign for Hereditary cancer-predisposing syndrome. Last evaluated: 2023-03-23. Review status: criteria provided, single submitter. Criteria: Dines et al. (Genet Med. 2020). Collection method: curation. Allele origin: germline.
Comment: Missense variant in a coldspot region where missense variants are very unlikely to be pathogenic (PMID:31911673).

BRCA2 exon 11 coldspot. Reclassification based on statistical prior probability.

Labcorp Genetics (formerly Invitae), Labcorp
Classification: Uncertain significance for Hereditary breast ovarian cancer syndrome. Last evaluated: 2021-05-25. Review status: criteria provided, single submitter. Criteria: Invitae Variant Classification Sherloc (09022015). Collection method: clinical testing. Allele origin: germline.
Comment: In summary, the available evidence is currently insufficient to determine the role of this variant in disease. Therefore, it has been classified as a Variant of Uncertain Significance. Advanced modeling of protein sequence and biophysical properties (such as structural, functional, and spatial information, amino acid conservation, physicochemical variation, residue mobility, and thermodynamic stability) performed at Invitae indicates that this missense variant is not expected to disrupt BRCA2 protein function. This variant has not been reported in the literature in individuals with BRCA2-related conditions. This variant is not present in population databases (ExAC no frequency). This sequence change replaces histidine with glutamine at codon 1332 of the BRCA2 protein (p.His1332Gln). The histidine residue is weakly conserved and there is a small physicochemical difference between histidine and glutamine.